The following is an entry in ClinVar:

ClinVar aggregate classification (germline): Uncertain significance (1 of 4 stars; one submission).

Conditions:
Hereditary cancer-predisposing syndrome. Also called: Tumor predisposition; Hereditary Cancer Syndrome; Hereditary neoplastic syndrome; Neoplastic Syndromes, Hereditary. Identifiers: Orphanet 140162, MedGen C0027672, MeSH D009386, MONDO:0015356.

Allele frequency attached by ClinVar (database versions not stated): gnomAD exomes below 0.00001.
gnomAD v4.1: 3 of 1,563,478 alleles (0.00019%); highest among the groups gnomAD compares: Non-Finnish European, 0.00026%; no homozygotes.

Submission:

Ambry Genetics
Classification: Uncertain significance for Hereditary cancer-predisposing syndrome. Last evaluated: 2023-08-06. Review status: criteria provided, single submitter. Criteria: Ambry Variant Classification Scheme 2023. Collection method: clinical testing. Allele origin: germline.
Comment: The p.D383G variant (also known as c.1148A>G), located in coding exon 13 of the CDC73 gene, results from an A to G substitution at nucleotide position 1148. The aspartic acid at codon 383 is replaced by glycine, an amino acid with similar properties. This amino acid position is conserved. In addition, this alteration is predicted to be deleterious by in silico analysis. Since supporting evidence is limited at this time, the clinical significance of this alteration remains unclear.

NM_024529.5(CDC73):c.1148A>G (p.Asp383Gly)

Gene: CDC73 (cell division cycle 73; plus strand). Cytogenetic location: 1q31.2.
Variant type: single nucleotide variant.
Coding change: c.1148A>G on transcript NM_024529.5 (MANE Select); coding-DNA position 1148, A replaced by G.
Protein change: p.Asp383Gly; replaces aspartic acid 383 with glycine.
Molecular consequence: missense variant.
Genome position (GRCh38, 1-based): chr1:193,212,471, A>G. VCF-style: chr1-193212471-A-G. GRCh37 (hg19) VCF-style: chr1-193181601-A-G.
Other names: short protein forms D383G.
Identifiers: ClinVar variation 2590567 (VCV002590567.2), dbSNP rs2527456843, ClinGen allele CA344077679.